The following is an entry in ClinVar:

ClinVar aggregate classification (germline): Uncertain significance (1 of 4 stars; one submission).

Conditions:
Hereditary cancer-predisposing syndrome. Also called: Hereditary Cancer Syndrome; Hereditary neoplastic syndrome; Neoplastic Syndromes, Hereditary; Tumor predisposition. Identifiers: Orphanet 140162, MedGen C0027672, MeSH D009386, MONDO:0015356.

Submission:

Ambry Genetics
Classification: Uncertain significance for Hereditary cancer-predisposing syndrome. Last evaluated: 2022-04-19. Review status: criteria provided, single submitter. Criteria: Ambry Variant Classification Scheme 2023. Collection method: clinical testing. Allele origin: germline.
Comment: The p.K446T variant (also known as c.1337A>C), located in coding exon 9 of the RAD50 gene, results from an A to C substitution at nucleotide position 1337. The lysine at codon 446 is replaced by threonine, an amino acid with similar properties. This amino acid position is conserved. In addition, the in silico prediction for this alteration is inconclusive. Since supporting evidence is limited at this time, the clinical significance of this alteration remains unclear.

NM_005732.4(RAD50):c.1337A>C (p.Lys446Thr)

Gene: RAD50 (RAD50 double strand break repair protein; plus strand). Cytogenetic location: 5q31.1.
Variant type: single nucleotide variant.
Coding change: c.1337A>C on transcript NM_005732.4 (MANE Select); coding-DNA position 1337, A replaced by C.
Protein change: p.Lys446Thr; replaces lysine 446 with threonine.
Molecular consequence: missense variant.
Genome position (GRCh38, 1-based): chr5:132,589,722, A>C. VCF-style: chr5-132589722-A-C. GRCh37 (hg19) VCF-style: chr5-131925414-A-C.
Other names: short protein forms K446T.
Identifiers: ClinVar variation 1770260 (VCV001770260.3), dbSNP rs2479637110, ClinGen allele CA360944053.